The following is an entry in ClinVar:

NM_000179.3(MSH6):c.3579A>G (p.Glu1193=)

Gene: MSH6 (mutS homolog 6; plus strand). Cytogenetic location: 2p16.3.
Variant type: single nucleotide variant.
Coding change: c.3579A>G on transcript NM_000179.3 (MANE Select); coding-DNA position 3579, A replaced by G.
Protein change: p.Glu1193=; no amino-acid change (glutamic acid 1193 retained).
Molecular consequence: synonymous variant.
Genome position (GRCh38, 1-based): chr2:47,805,640, A>G. VCF-style: chr2-47805640-A-G. GRCh37 (hg19) VCF-style: chr2-48032779-A-G.
Other names: c.3189A>G, p.Glu1063= (NM_001281492.2); c.2673A>G, p.Glu891= (NM_001281493.2, NM_001281494.2).
Identifiers: ClinVar variation 416175 (VCV000416175.19), dbSNP rs1060504759, ClinGen allele CA16610942.
Genomic context (GRCh38, chr2:47,805,640, plus strand): 5'-CAAAATGAGTATTCATTTGTGATTTTTTTTTTTTTAAGGTGAAAGTACATTTTTTGTTGA[A>G]TTAAGTGAAACTGCCAGCATACTCATGCATGCAACAGCACATTCTCTGGTGCTTGTGGAT-3'
Protein context (NP_000170.1, residues 1183-1203): IMSGESTFFV[Glu1193=]LSETASILMH

ClinVar aggregate classification (germline): Benign/Likely benign. Review status: criteria provided, multiple submitters, no conflicts (2 of 4 stars). 4 submissions from 4 submitters: Benign (1); Likely benign (3). Last evaluated 2025-01-07.

Conditions:
Hereditary nonpolyposis colorectal neoplasms. Identifiers: MedGen C0009405, MeSH D003123.
Hereditary cancer-predisposing syndrome. Also called: Tumor predisposition; Neoplastic Syndromes, Hereditary; Hereditary neoplastic syndrome; Hereditary Cancer Syndrome. Identifiers: Orphanet 140162, MedGen C0027672, MeSH D009386, MONDO:0015356.
Lynch syndrome 5 (LYNCH5). Also called: Colorectal cancer, hereditary nonpolyposis, type 5; Hereditary non-polyposis colorectal cancer, type 5. Identifiers: Orphanet 144, MedGen C1833477, MONDO:0013710, OMIM 614350. Disease mechanism: loss of function.

Allele frequency attached by ClinVar (database versions not stated): gnomAD exomes below 0.00001; TOPMed below 0.00001.
gnomAD v4.1: 2 of 1,613,144 alleles (0.00012%); highest among the groups gnomAD compares: Non-Finnish European, 0.00017%; no homozygotes.

Submissions (4):

Myriad Genetics, Inc.
Classification: Benign for Lynch syndrome 5. Last evaluated: 2025-01-07. Review status: criteria provided, single submitter. Criteria: Myriad Autosomal Dominant, Autosomal Recessive and X-Linked Classification Criteria (2023). Collection method: clinical testing. Allele origin: unknown.
Comment: This variant is considered benign. This variant is a silent/synonymous amino acid change and it is not expected to impact splicing.

Labcorp Genetics (formerly Invitae), Labcorp
Classification: Likely benign for Hereditary nonpolyposis colorectal neoplasms. Last evaluated: 2024-02-19. Review status: criteria provided, single submitter. Criteria: Invitae Variant Classification Sherloc (09022015). Collection method: clinical testing. Allele origin: germline.

Ambry Genetics
Classification: Likely benign for Hereditary cancer-predisposing syndrome. Last evaluated: 2019-12-05. Review status: criteria provided, single submitter. Criteria: Ambry Variant Classification Scheme 2023. Collection method: clinical testing. Allele origin: germline.

Color Diagnostics, LLC DBA Color Health
Classification: Likely benign for Hereditary cancer-predisposing syndrome. Last evaluated: 2017-11-20. Review status: criteria provided, single submitter. Criteria: ACMG Guidelines, 2015. Collection method: clinical testing. Allele origin: germline.